The following is an entry in ClinVar:

NC_000003.12:g.169764865G>A

Genes: TERC (telomerase RNA component; minus strand), LOC110806306 (telomerase RNA component (TERC) promoter; plus strand). Cytogenetic location: 3q26.2.
Variant type: single nucleotide variant.
Genome position: GRCh38 VCF-style: chr3-169764865-G-A. GRCh37 (hg19) VCF-style: chr3-169482653-G-A.
Identifiers: ClinVar variation 857182 (VCV000857182.10), dbSNP rs573600318, ClinGen allele CA87624155.

ClinVar aggregate classification (germline): Uncertain significance (1 of 4 stars; one submission).

Conditions:
Dyskeratosis congenita, autosomal dominant 1 (DKCA1). Also called: Dyskeratosis congenita Scoggins type. Identifiers: Orphanet 1775, MedGen C4551974, MONDO:0007485, OMIM 127550. Inheritance: Variable.

Allele frequency attached by ClinVar (database versions not stated): TOPMed below 0.00001; gnomAD 0.00001; gnomAD exomes 0.00001; 1000 Genomes Project 30x 0.00016; 1000 Genomes Project 0.00020.
gnomAD v4.1: 5 of 756,172 alleles (0.00066%); highest among the groups gnomAD compares: Admixed American, 0.0052%; no homozygotes.

Submission:

Labcorp Genetics (formerly Invitae), Labcorp
Classification: Uncertain significance for Dyskeratosis congenita, autosomal dominant 1. Last evaluated: 2024-01-25. Review status: criteria provided, single submitter. Criteria: Invitae Variant Classification Sherloc (09022015). Collection method: clinical testing. Allele origin: germline.
Comment: This variant occurs in the TERC gene, which encodes an RNA molecule that does not result in a protein product. This variant is not present in population databases (gnomAD no frequency). This variant has not been reported in the literature in individuals affected with TERC-related conditions. ClinVar contains an entry for this variant (Variation ID: 857182). This variant is located within the hypervariable region that is not conserved in the TERC RNA component (PMID: 10721988, 21844345). The functional significance of this region is not well understood. In summary, the available evidence is currently insufficient to determine the role of this variant in disease. Therefore, it has been classified as a Variant of Uncertain Significance.

Literature cited by the submitters: PubMed 10721988; PubMed 21844345.